The following is an entry in ClinVar:

ClinVar aggregate classification (germline): Pathogenic (1 of 4 stars; one submission).

Conditions:
Pitt-Hopkins-like syndrome 2 (PTHSL2). Identifiers: Orphanet 221150, Orphanet 600663, MedGen C3280479, MONDO:0013690, OMIM 614325.

Submission:

Labcorp Genetics (formerly Invitae), Labcorp
Classification: Pathogenic for Pitt-Hopkins-like syndrome 2. Last evaluated: 2024-01-21. Review status: criteria provided, single submitter. Criteria: Invitae Variant Classification Sherloc (09022015). Collection method: clinical testing. Allele origin: germline.
Comment: This variant is a gross deletion of the genomic region encompassing exon(s) 19 of the NRXN1 gene. This deletion is out-of-frame, and is expected to create a premature termination codon and result in an absent or disrupted protein product. Loss-of-function variants in NRXN1 are known to be pathogenic (PMID: 19896112, 21964664, 23495017, 23533028, 25149956, 30031152). A similar copy number variant has been observed in individual(s) with NRXN1-related conditions (PMID: 25408897). For these reasons, this variant has been classified as Pathogenic.

Literature cited by the submitters: PubMed 19896112; PubMed 21964664; PubMed 23495017; PubMed 23533028; PubMed 25149956; PubMed 30031152; PubMed 25408897.

NC_000002.11:g.(?_50463907)_(50464128_?)del

Gene: NRXN1 (neurexin 1; minus strand). Cytogenetic location: 2p16.3.
Variant type: Deletion.
Identifiers: ClinVar variation 1455324 (VCV001455324.7).